The following is an entry in ClinVar:

ClinVar aggregate classification (germline): Uncertain significance (1 of 4 stars; one submission).

Conditions:
Acute myeloid leukemia (AML). Also called: Acute myeloid leukemia, adult; AML adult; Acute non-lymphocytic leukemia; Acute granulocytic leukemia; Leukemia, acute myeloid, somatic; Leukemia, acute myelogenous, somatic. Identifiers: Orphanet 519, MedGen C0023467, MeSH D015470, MONDO:0018874, OMIM 601626, HP:0004808. Disease mechanism: Constitutively activated FLT3.

Submission:

Labcorp Genetics (formerly Invitae), Labcorp
Classification: Uncertain significance for Acute myeloid leukemia. Last evaluated: 2022-04-01. Review status: criteria provided, single submitter. Criteria: Invitae Variant Classification Sherloc (09022015). Collection method: clinical testing. Allele origin: germline.
Comment: This sequence change replaces glutamic acid, which is acidic and polar, with glutamine, which is neutral and polar, at codon 76 of the CEBPA protein (p.Glu76Gln). This variant is not present in population databases (gnomAD no frequency). This variant has not been reported in the literature in individuals affected with CEBPA-related conditions. Algorithms developed to predict the effect of missense changes on protein structure and function are either unavailable or do not agree on the potential impact of this missense change (SIFT: "Deleterious"; PolyPhen-2: "Probably Damaging"; Align-GVGD: "Class C0"). In summary, the available evidence is currently insufficient to determine the role of this variant in disease. Therefore, it has been classified as a Variant of Uncertain Significance.

NM_004364.5(CEBPA):c.226G>C (p.Glu76Gln)

Gene: CEBPA (CCAAT enhancer binding protein alpha; minus strand). Cytogenetic location: 19q13.11.
Variant type: single nucleotide variant.
Coding change: c.226G>C on transcript NM_004364.5 (MANE Select); coding-DNA position 226, G replaced by C.
Protein change: p.Glu76Gln; replaces glutamic acid 76 with glutamine.
Molecular consequence: missense variant. On other transcripts: 5 prime UTR variant (1).
Genome position (GRCh38, 1-based): chr19:33,302,189, C>G on the plus strand (G>C on the coding strand, the complement: CEBPA is on the minus strand). VCF-style: chr19-33302189-C-G. GRCh37 (hg19) VCF-style: chr19-33793095-C-G.
Other names: c.-132G>C (NM_001285829.2); c.331G>C, p.Glu111Gln (NM_001287424.2); c.184G>C, p.Glu62Gln (NM_001287435.2); short protein forms E76Q, E111Q, E62Q.
Identifiers: ClinVar variation 2120695 (VCV002120695.4), dbSNP rs2145263629, ClinGen allele CA405275404.